The following is an entry in ClinVar:

NM_020919.4(ALS2):c.4957C>T (p.Arg1653Cys)

Gene: ALS2 (alsin Rho guanine nucleotide exchange factor ALS2; minus strand). Cytogenetic location: 2q33.1.
Variant type: single nucleotide variant.
Coding change: c.4957C>T on transcript NM_020919.4 (MANE Select); coding-DNA position 4957, C replaced by T.
Protein change: p.Arg1653Cys; replaces arginine 1653 with cysteine.
Molecular consequence: missense variant.
Genome position (GRCh38, 1-based): chr2:201,701,868, G>A on the plus strand (C>T on the coding strand, the complement: ALS2 is on the minus strand). VCF-style: chr2-201701868-G-A. GRCh37 (hg19) VCF-style: chr2-202566591-G-A.
Other names: short protein forms R1653C.
Identifiers: ClinVar variation 898013 (VCV000898013.34), dbSNP rs200416249, ClinGen allele CA2057444.

ClinVar aggregate classification (germline): Conflicting classifications of pathogenicity. Review status: criteria provided, conflicting classifications (1 of 4 stars). 6 submissions from 5 submitters: Uncertain significance (5); Likely benign (1). Last evaluated 2026-10-20.

Conditions:
Amyotrophic lateral sclerosis type 2, juvenile. Also called: ALS, JUVENILE; Amyotrophic lateral sclerosis type 2. Identifiers: Orphanet 300605, MedGen C1859807, MONDO:0008780, OMIM 205100.
Infantile-onset ascending hereditary spastic paralysis (IAHSP). Also called: Autosomal Recessive Juvenile Amyotrophic Lateral Sclerosis; Infantile-Onset Ascending Hereditary Spastic Paralysis (IAHSP). Identifiers: Orphanet 293168, MedGen C2931441, MONDO:0011797, OMIM 607225. Disease mechanism: loss of function.
ALS2-related disorder. Also called: ALS2-related disorders; ALS2-Related Spectrum Disorders; ALS2-related condition. Identifiers: MedGen CN169291.

Allele frequency attached by ClinVar (database versions not stated): ExAC 0.00008; gnomAD exomes 0.00009 and 0.00018; gnomAD 0.00011; TOPMed 0.00012; ESP Exome Variant Server 0.00017.
gnomAD v4.1: 270 of 1,613,454 alleles (0.017%); highest among the groups gnomAD compares: Non-Finnish European, 0.02%; no homozygotes.

Submissions (6):

GeneDx
Classification: Uncertain significance. Last evaluated: 2026-10-20. Review status: criteria provided, single submitter. Criteria: GeneDx Variant Classification Process June 2021. Collection method: clinical testing. Allele origin: germline.
Comment: Previously reported as a variant of uncertain significance in an individual with a diagnosis of juvenile primary lateral sclerosis (PMID: 34738851); In silico analysis supports that this missense variant has a deleterious effect on protein structure/function; This variant is associated with the following publications: (PMID: 34738851)

CeGaT Center for Human Genetics Tuebingen
Classification: Likely benign. Last evaluated: 2026-07-01. Review status: criteria provided, single submitter. Criteria: CeGaT Center For Human Genetics Tuebingen Variant Classification Criteria Version 2. Collection method: clinical testing. Allele origin: germline. Affected: yes. Observed: 2 variant alleles.
Comment: ALS2: BP4

PreventionGenetics, part of Exact Sciences
Classification: Uncertain significance for ALS2-related condition. Last evaluated: 2024-10-17. Review status: criteria provided, single submitter. Criteria: ACMG Guidelines, 2015. Collection method: clinical testing. Allele origin: germline.
Comment: The ALS2 c.4957C>T variant is predicted to result in the amino acid substitution p.Arg1653Cys. This variant was reported in an individual with juvenile autosomal recessive amyotrophic lateral sclerosis (ALS, Carvalho et al. 2022. PubMed ID: 34738851). This variant is reported in 0.026% of alleles in individuals of South Asian descent in gnomAD. At this time, the clinical significance of this variant is uncertain due to the absence of conclusive functional and genetic evidence.

Labcorp Genetics (formerly Invitae), Labcorp
Classification: Uncertain significance for Infantile-onset ascending hereditary spastic paralysis. Last evaluated: 2022-08-22. Review status: criteria provided, single submitter. Criteria: Invitae Variant Classification Sherloc (09022015). Collection method: clinical testing. Allele origin: germline.
Comment: This sequence change replaces arginine, which is basic and polar, with cysteine, which is neutral and slightly polar, at codon 1653 of the ALS2 protein (p.Arg1653Cys). This variant is present in population databases (rs200416249, gnomAD 0.03%). This variant has not been reported in the literature in individuals affected with ALS2-related conditions. ClinVar contains an entry for this variant (Variation ID: 898013). Algorithms developed to predict the effect of missense changes on protein structure and function are either unavailable or do not agree on the potential impact of this missense change (SIFT: "Tolerated"; PolyPhen-2: "Possibly Damaging"; Align-GVGD: "Class C15"). In summary, the available evidence is currently insufficient to determine the role of this variant in disease. Therefore, it has been classified as a Variant of Uncertain Significance.

Illumina Laboratory Services, Illumina
Classification: Uncertain significance for ALS2-Related Disorders. Last evaluated: 2018-01-13. Review status: criteria provided, single submitter. Criteria: ICSL Variant Classification Criteria 13 December 2019. Collection method: clinical testing. Allele origin: germline.

Illumina Laboratory Services, Illumina
Classification: Uncertain significance for Amyotrophic lateral sclerosis type 2. Last evaluated: 2018-01-13. Review status: criteria provided, single submitter. Criteria: ICSL Variant Classification Criteria 13 December 2019. Collection method: clinical testing. Allele origin: germline.